The following is an entry in ClinVar:

NM_032607.3(CREB3L3):c.784AAG[3] (p.Lys265del)

Gene: CREB3L3 (cAMP responsive element binding protein 3 like 3; plus strand). Cytogenetic location: 19p13.3.
Variant type: Microsatellite.
Coding change: c.784AAG[3] on transcript NM_032607.3 (MANE Select); three copies in a row of the 3-base unit AAG starting at c.784; the reference has four copies in a row; one copy, 3 bases deleted.
Protein change: p.Lys265del; deletes lysine 265.
Molecular consequence: inframe deletion. On other transcripts: intron variant (1).
Genome position (GRCh38, 1-based): chr19:4,168,429-4,168,431, AAG deleted; deleting any 3 consecutive bases within chr19:4,168,419-4,168,431 gives the same sequence; the position shown is the placement nearest the transcript's 3' end. VCF-style (leftmost placement, unchanged base first): chr19-4168418-GGAA-G. GRCh37 (hg19) VCF-style: chr19-4168415-GGAA-G.
Other names: c.781AAG[3], p.Lys264del (NM_001271995.2); c.778AAG[3], p.Lys263del (NM_001271996.2); c.715-1721GAA[3] (NM_001271997.2); short protein forms K264del, K263del, K265del.
Identifiers: ClinVar variation 2889172 (VCV002889172.3), dbSNP rs767412231, ClinGen allele CA9091464.

ClinVar aggregate classification (germline): Uncertain significance (1 of 4 stars; one submission).

Submission:

Labcorp Genetics (formerly Invitae), Labcorp
Classification: Uncertain significance. Last evaluated: 2025-10-18. Review status: criteria provided, single submitter. Criteria: Invitae Variant Classification Sherloc (09022015). Collection method: clinical testing. Allele origin: germline.
Comment: This variant, c.793_795del, results in the deletion of 1 amino acid(s) of the CREB3L3 protein (p.Lys265del), but otherwise preserves the integrity of the reading frame. The frequency data for this variant in the population databases is considered unreliable, as metrics indicate poor data quality at this position in the gnomAD database. This variant has not been reported in the literature in individuals affected with CREB3L3-related conditions. Experimental studies and prediction algorithms are not available or were not evaluated, and the functional significance of this variant is currently unknown. In summary, the available evidence is currently insufficient to determine the role of this variant in disease. Therefore, it has been classified as a Variant of Uncertain Significance.